The following is an entry in ClinVar:

NM_001330260.2(SCN8A):c.4606A>G (p.Met1536Val)

Gene: SCN8A (sodium voltage-gated channel alpha subunit 8; plus strand). Cytogenetic location: 12q13.13.
Variant type: single nucleotide variant.
Coding change: c.4606A>G on transcript NM_001330260.2 (MANE Select); coding-DNA position 4606, A replaced by G.
Protein change: p.Met1536Val; replaces methionine 1536 with valine.
Molecular consequence: missense variant.
Genome position (GRCh38, 1-based): chr12:51,794,452, A>G. VCF-style: chr12-51794452-A-G. GRCh37 (hg19) VCF-style: chr12-52188236-A-G.
Other names: c.4483A>G, p.Met1495Val (NM_001177984.3, NM_001369788.1); c.4606A>G, p.Met1536Val (NM_014191.4); short protein forms M1495V, M1536V.
Identifiers: ClinVar variation 843414 (VCV000843414.10), dbSNP rs1938352194, ClinGen allele CA384878833.

ClinVar aggregate classification (germline): Uncertain significance (1 of 4 stars; one submission).

Conditions:
Early-infantile DEE. Also called: Ohtahara syndrome; Early infantile epileptic encephalopathy with suppression bursts; Early infantile epileptic encephalopathy. Identifiers: Orphanet 1934, MedGen C0393706, MONDO:0800491.

Submission:

Labcorp Genetics (formerly Invitae), Labcorp
Classification: Uncertain significance for Early-infantile DEE. Last evaluated: 2024-06-22. Review status: criteria provided, single submitter. Criteria: Invitae Variant Classification Sherloc (09022015). Collection method: clinical testing. Allele origin: germline.
Comment: This sequence change replaces methionine, which is neutral and non-polar, with valine, which is neutral and non-polar, at codon 1536 of the SCN8A protein (p.Met1536Val). This variant is not present in population databases (gnomAD no frequency). This variant has not been reported in the literature in individuals affected with SCN8A-related conditions. ClinVar contains an entry for this variant (Variation ID: 843414). Advanced modeling of protein sequence and biophysical properties (such as structural, functional, and spatial information, amino acid conservation, physicochemical variation, residue mobility, and thermodynamic stability) performed at Invitae indicates that this missense variant is expected to disrupt SCN8A protein function with a positive predictive value of 95%. In summary, the available evidence is currently insufficient to determine the role of this variant in disease. Therefore, it has been classified as a Variant of Uncertain Significance.